The following is an entry in ClinVar:

ClinVar aggregate classification (germline): Uncertain significance (1 of 4 stars; one submission).

Allele frequency attached by ClinVar (database versions not stated): gnomAD 0.00001; TOPMed below 0.00001.
gnomAD v4.1: 4 of 1,612,476 alleles (0.00025%); highest among the groups gnomAD compares: Non-Finnish European, 0.00034%; no homozygotes.

Submission:

GeneDx
Classification: Uncertain significance. Last evaluated: 2025-08-15. Review status: criteria provided, single submitter. Criteria: GeneDx Variant Classification Process June 2021. Collection method: clinical testing. Allele origin: germline. Affected: yes.
Comment: Reported in the heterozygous state in a patient with isolated craniosynostosis; however, information about parental testing was not provided (PMID: 35591945); In silico analysis suggests that this missense variant does not alter protein structure/function; Not observed at significant frequency in large population cohorts (gnomAD); This variant is associated with the following publications: (PMID: 35591945)

NM_207037.2(TCF12):c.356T>C (p.Leu119Pro)

Gene: TCF12 (transcription factor 12; plus strand). Cytogenetic location: 15q21.3.
Variant type: single nucleotide variant.
Coding change: c.356T>C on transcript NM_207037.2 (MANE Select); coding-DNA position 356, T replaced by C.
Protein change: p.Leu119Pro; replaces leucine 119 with proline.
Molecular consequence: missense variant. On other transcripts: 5 prime UTR variant (1).
Genome position (GRCh38, 1-based): chr15:57,166,432, T>C. VCF-style: chr15-57166432-T-C. GRCh37 (hg19) VCF-style: chr15-57458630-T-C.
Other names: c.356T>C, p.Leu119Pro (NM_001322151.2, NM_001322152.2, NM_001322157.3 and 7 more transcripts); c.-297T>C (NM_001322154.2); c.182T>C, p.Leu61Pro (NM_001322156.2, NM_001322158.2); c.392T>C, p.Leu131Pro (NM_001322164.2); short protein forms L119P, L131P, L61P.
Identifiers: ClinVar variation 2579456 (VCV002579456.2), dbSNP rs1193799676, ClinGen allele CA392787498.